The following is an entry in ClinVar:

NM_019066.5(MAGEL2):c.550C>T (p.Pro184Ser)

Gene: MAGEL2 (MAGE family member L2; minus strand). Cytogenetic location: 15q11.2.
Variant type: single nucleotide variant.
Coding change: c.550C>T on transcript NM_019066.5 (MANE Select); coding-DNA position 550, C replaced by T.
Protein change: p.Pro184Ser; replaces proline 184 with serine.
Molecular consequence: missense variant.
Genome position (GRCh38, 1-based): chr15:23,647,193, G>A on the plus strand (C>T on the coding strand, the complement: MAGEL2 is on the minus strand). VCF-style: chr15-23647193-G-A. GRCh37 (hg19) VCF-style: chr15-23892340-G-A.
Other names: short protein forms P184S.
Identifiers: ClinVar variation 1313913 (VCV001313913.2), dbSNP rs1890434282, ClinGen allele CA391336996.
Genomic context (GRCh38, chr15:23,647,193, plus strand): 5'-GGGGAGGATGAGCCATCGGTGTCCCCGGAGGGGGAGGATGAGCCATCGGGGTCCCCGGAG[G>A]AGGAGGATGCACCATCGGGGTCCCCGGAGGAGGAGGATGGGCCATCGGGGTCCCCGGAGG-3'
Protein context (NP_061939.3, residues 174-194): PPGTPMVHPP[Pro184Ser]PGTPMAHPPP

ClinVar aggregate classification (germline): Uncertain significance (1 of 4 stars; one submission).

Submission:

GeneDx
Classification: Uncertain significance. Last evaluated: 2020-07-28. Review status: criteria provided, single submitter. Criteria: GeneDx Variant Classification Process June 2021. Collection method: clinical testing. Allele origin: germline. Affected: yes.
Comment: Not observed in large population cohorts (Lek et al., 2016); In silico analysis, which includes protein predictors and evolutionary conservation, supports that this variant does not alter protein structure/function; Has not been previously published as pathogenic or benign to our knowledge